The following is an entry in ClinVar:

NM_003119.4(SPG7):c.1038_1039insT (p.Leu347fs)

Gene: SPG7 (SPG7 matrix AAA peptidase subunit, paraplegin; plus strand). Cytogenetic location: 16q24.3.
Variant type: Insertion.
Coding change: c.1038_1039insT on transcript NM_003119.4 (MANE Select); coding-DNA positions 1038 to 1039, T inserted.
Protein change: p.Leu347fs; shifts the reading frame from leucine 347.
Molecular consequence: frameshift variant.
Genome position: GRCh38 VCF-style: chr16-89531954-G-GT. GRCh37 (hg19) VCF-style: chr16-89598362-G-GT.
Other names: c.1038_1039insT, p.Leu347fs (NM_001363850.1, NM_199367.3); short protein forms L347fs.
Identifiers: ClinVar variation 3242519 (VCV003242519.1).
Genomic context (GRCh38, chr16:89,531,954, plus strand): 5'-TGCCGTCCAGAGCCCAGAACGCTTCCTCCAGCTTGGCGCCAAGGTCCCAAAGGGCGCACT[G>GT]CTGCTCGGCCCCCCCGGCTGTGGGAAGACGCTGCTGGCCAAGGCGGTGGCCACGGAGGCT-3'

ClinVar aggregate classification (germline): Likely pathogenic (1 of 4 stars; one submission).

Conditions:
Hereditary spastic paraplegia 7 (SPG7). Also called: Autosomal recessive spastic paraplegia type 7; SPASTIC PARAPLEGIA 7, AUTOSOMAL RECESSIVE, WITH OR WITHOUT CEREBELLAR ATAXIA; Spastic paraplegia 7; Hereditary spastic paraplegia Paraplegin type; SPG7-related neurologic disorder. Identifiers: Orphanet 99013, MedGen C1846564, MONDO:0011803, OMIM 607259.

Submission:

PROSPAX: an integrated multimodal progression  chart in spastic ataxias, Center for Neurology; Hertie-Institute for Clinical Brain Research
Classification: Likely pathogenic for Hereditary spastic paraplegia 7. Last evaluated: 2022-01-01. Review status: criteria provided, single submitter. Criteria: ACMG Guidelines, 2015. Collection method: research. Allele origin: germline. Affected: yes.
Comment: Variant seen in compound het: [c.1038_1039insT;c.1730G>A]